The following is an entry in ClinVar:

NM_001164508.2(NEB):c.17681T>G (p.Leu5894Arg)

Gene: NEB (nebulin; minus strand). Cytogenetic location: 2q23.3.
Variant type: single nucleotide variant.
Coding change: c.17681T>G on transcript NM_001164508.2 (MANE Select); coding-DNA position 17681, T replaced by G.
Protein change: p.Leu5894Arg; replaces leucine 5894 with arginine.
Molecular consequence: missense variant.
Genome position (GRCh38, 1-based): chr2:151,568,371, A>C on the plus strand (T>G on the coding strand, the complement: NEB is on the minus strand). VCF-style: chr2-151568371-A-C. GRCh37 (hg19) VCF-style: chr2-152424885-A-C.
Other names: c.17681T>G, p.Leu5894Arg (NM_001164507.2, NM_001271208.2); c.12578T>G, p.Leu4193Arg (NM_004543.5); short protein forms L4193R, L5894R.
Identifiers: ClinVar variation 1718325 (VCV001718325.3), dbSNP rs201072996, ClinGen allele CA348804958.

ClinVar aggregate classification (germline): Uncertain significance (1 of 4 stars; one submission).

Conditions:
Nemaline myopathy 2 (NEM2). Also called: Nemaline myopathy 2, autosomal recessive. Identifiers: MedGen C1850569, MONDO:0009725, OMIM 256030.

Submission:

Labcorp Genetics (formerly Invitae), Labcorp
Classification: Uncertain significance for Nemaline myopathy 2. Last evaluated: 2022-08-30. Review status: criteria provided, single submitter. Criteria: Invitae Variant Classification Sherloc (09022015). Collection method: clinical testing. Allele origin: germline.
Comment: This sequence change replaces leucine, which is neutral and non-polar, with arginine, which is basic and polar, at codon 5894 of the NEB protein (p.Leu5894Arg). This variant is not present in population databases (gnomAD no frequency). This variant has not been reported in the literature in individuals affected with NEB-related conditions. Algorithms developed to predict the effect of missense changes on protein structure and function are either unavailable or do not agree on the potential impact of this missense change (SIFT: "Deleterious"; PolyPhen-2: "Not Available"; Align-GVGD: "Class C0"). In summary, the available evidence is currently insufficient to determine the role of this variant in disease. Therefore, it has been classified as a Variant of Uncertain Significance.